The following is an entry in ClinVar:

NM_005048.4(PTH2R):c.318T>A (p.Asn106Lys)

Gene: PTH2R (parathyroid hormone 2 receptor; plus strand). Cytogenetic location: 2q34.
Variant type: single nucleotide variant.
Coding change: c.318T>A on transcript NM_005048.4 (MANE Select); coding-DNA position 318, T replaced by A.
Protein change: p.Asn106Lys; replaces asparagine 106 with lysine.
Molecular consequence: missense variant. On other transcripts: 5 prime UTR variant (4), non-coding transcript variant (4).
Genome position (GRCh38, 1-based): chr2:208,437,788, T>A. VCF-style: chr2-208437788-T-A. GRCh37 (hg19) VCF-style: chr2-209302513-T-A.
Other names: c.-16T>A (NM_001309516.2, NM_001371905.1, NM_001371906.1 and 1 more transcripts); short protein forms N106K.
Identifiers: ClinVar variation 2633916 (VCV002633916.1), dbSNP rs1702105570, ClinGen allele CA350106734.
Genomic context (GRCh38, chr2:208,437,788, plus strand): 5'-GAGCGATCTCAGCATCTTTCATGTCTTTACAGGAGTTGCTTTCCGACACTGTAACCCCAA[T>A]GGAACATGGGATTTTATGCACAGCTTAAATAAAACATGGGCCAATTATTCAGACTGCCTT-3'
Protein context (NP_005039.1, residues 96-116): KGVAFRHCNP[Asn106Lys]GTWDFMHSLN

ClinVar aggregate classification (germline): Uncertain significance (1 of 4 stars; one submission).

Conditions:
PTH2R-related disorder. Also called: PTH2R-related condition.

Allele frequency attached by ClinVar (database versions not stated): gnomAD 0.00001.
gnomAD v4.1: 2 of 1,613,704 alleles (0.00012%); highest among the groups gnomAD compares: African/African-American, 0.0027%; no homozygotes.

Submission:

PreventionGenetics, part of Exact Sciences
Classification: Uncertain significance for PTH2R-related condition. Last evaluated: 2023-10-04. Review status: criteria provided, single submitter. Criteria: ACMG Guidelines, 2015. Collection method: clinical testing. Allele origin: germline.
Comment: The PTH2R c.318T>A variant is predicted to result in the amino acid substitution p.Asn106Lys. To our knowledge, this variant has not been reported in the literature or in a large population database, indicating this variant is rare. At this time, the clinical significance of this variant is uncertain due to the absence of conclusive functional and genetic evidence.